The following is an entry in ClinVar:

NM_000257.4(MYH7):c.2423+3G>A

Genes: MYH7 (myosin heavy chain 7; minus strand), LOC126861898 (BRD4-independent group 4 enhancer GRCh37_chr14:23893609-23894808; plus strand). Cytogenetic location: 14q11.2.
Variant type: single nucleotide variant.
Coding change: c.2423+3G>A on transcript NM_000257.4 (MANE Select); 3 bases into the intron after coding-DNA position 2423, G replaced by A.
Molecular consequence: intron variant.
Genome position (GRCh38, 1-based): chr14:23,425,279, C>T on the plus strand (G>A on the coding strand, the complement: MYH7 is on the minus strand). VCF-style: chr14-23425279-C-T. GRCh37 (hg19) VCF-style: chr14-23894488-C-T.
Other names: c.2423+3G>A (NM_001407004.1).
Identifiers: ClinVar variation 3893697 (VCV003893697.1).

ClinVar aggregate classification (germline): Uncertain significance (1 of 4 stars; one submission).

Conditions:
Cardiomyopathy (CMYO). Also called: Cardiomyopathies. Identifiers: Orphanet 167848, MedGen C0878544, MONDO:0004994, HP:0001638. Inheritance: Various modes of inheritance.

Submission:

Color Diagnostics, LLC DBA Color Health
Classification: Uncertain significance for Cardiomyopathy. Last evaluated: 2025-01-28. Review status: criteria provided, single submitter. Criteria: ACMG Guidelines, 2015. Collection method: clinical testing. Allele origin: germline.
Comment: This variant causes a G to A nucleotide substitution at the +3 position of intron 21 of the MYH7 gene. To our knowledge, functional studies have not been reported for this variant. This variant has not been reported in individuals affected with MYH7-related disorders in the literature. This variant has been identified in 1/251436 chromosomes in the general population by the Genome Aggregation Database (gnomAD). The available evidence is insufficient to determine the role of this variant in disease conclusively. Therefore, this variant is classified as a Variant of Uncertain Significance.